The following is an entry in ClinVar:

NM_000629.3(IFNAR1):c.278A>G (p.Lys93Arg)

Gene: IFNAR1 (interferon alpha and beta receptor subunit 1; plus strand). Cytogenetic location: 21q22.11.
Variant type: single nucleotide variant.
Coding change: c.278A>G on transcript NM_000629.3 (MANE Select); coding-DNA position 278, A replaced by G.
Protein change: p.Lys93Arg; replaces lysine 93 with arginine.
Molecular consequence: missense variant. On other transcripts: 5 prime UTR variant (1), splice acceptor variant (1).
Genome position (GRCh38, 1-based): chr21:33,341,076, A>G. VCF-style: chr21-33341076-A-G. GRCh37 (hg19) VCF-style: chr21-34713382-A-G.
Other names: c.278A>G, p.Lys93Arg (NM_001384498.1, NM_001384499.1, NM_001384501.1 and 1 more transcripts); c.-509A>G (NM_001384500.1); c.71A>G, p.Lys24Arg (NM_001384504.1); c.-183-2A>G (NM_001384502.1); short protein forms K93R, K24R.
Identifiers: ClinVar variation 1525268 (VCV001525268.8), dbSNP rs2083288218, ClinGen allele CA410106611.

ClinVar aggregate classification (germline): Uncertain significance (1 of 4 stars; one submission).

Allele frequency attached by ClinVar (database versions not stated): TOPMed below 0.00001.

Submission:

Labcorp Genetics (formerly Invitae), Labcorp
Classification: Uncertain significance. Last evaluated: 2022-08-15. Review status: criteria provided, single submitter. Criteria: Invitae Variant Classification Sherloc (09022015). Collection method: clinical testing. Allele origin: germline.
Comment: Algorithms developed to predict the effect of sequence changes on RNA splicing suggest that this variant may disrupt the consensus splice site. In summary, the available evidence is currently insufficient to determine the role of this variant in disease. Therefore, it has been classified as a Variant of Uncertain Significance. Algorithms developed to predict the effect of missense changes on protein structure and function are either unavailable or do not agree on the potential impact of this missense change (SIFT: "Tolerated"; PolyPhen-2: "Possibly Damaging"; Align-GVGD: "Class C0"). ClinVar contains an entry for this variant (Variation ID: 1525268). This variant has not been reported in the literature in individuals affected with IFNAR1-related conditions. This variant is not present in population databases (gnomAD no frequency). This sequence change replaces lysine, which is basic and polar, with arginine, which is basic and polar, at codon 93 of the IFNAR1 protein (p.Lys93Arg).